The following is an entry in ClinVar:

NM_000138.5(FBN1):c.7621del (p.Cys2541fs)

Gene: FBN1 (fibrillin 1; minus strand). Cytogenetic location: 15q21.1.
Variant type: Deletion.
Coding change: c.7621del on transcript NM_000138.5 (MANE Select); coding-DNA position 7621, one base deleted (T; older notation c.7621delT).
Protein change: p.Cys2541fs; shifts the reading frame from cysteine 2541.
Molecular consequence: frameshift variant.
Genome position (GRCh38, 1-based): chr15:48,421,636, A deleted on the plus strand (T on the coding strand, the reverse complement: FBN1 is on the minus strand); the first of 3 consecutive A bases (chr15:48,421,636-48,421,638); deleting any one gives the same sequence. VCF-style (leftmost placement, unchanged base first): chr15-48421635-CA-C. GRCh37 (hg19) VCF-style: chr15-48713832-CA-C.
Other names: short protein forms C2541fs.
Identifiers: ClinVar variation 960522 (VCV000960522.7), dbSNP rs2042942749, ClinGen allele CA1139663913.

ClinVar aggregate classification (germline): Pathogenic (1 of 4 stars; one submission).

Conditions:
Marfan syndrome (MFS). Also called: FBN1-Related Marfan Syndrome; MARFAN SYNDROME, TYPE I; Marfan syndrome type 1; Marfan's syndrome; Marfan syndrome, classic. Identifiers: Orphanet 284963, Orphanet 558, MedGen C0024796, MONDO:0007947, OMIM 154700.
Familial thoracic aortic aneurysm and aortic dissection (TAAD). Also called: Thoracic aortic aneurysms and dissections. Identifiers: Orphanet 91387, MedGen C4707243, MONDO:0019625.

Submission:

Labcorp Genetics (formerly Invitae), Labcorp
Classification: Pathogenic for Marfan syndrome; Familial thoracic aortic aneurysm and aortic dissection. Last evaluated: 2019-09-09. Review status: criteria provided, single submitter. Criteria: Invitae Variant Classification Sherloc (09022015). Collection method: clinical testing. Allele origin: germline.
Comment: For these reasons, this variant has been classified as Pathogenic. Loss-of-function variants in FBN1 are known to be pathogenic (PMID: 17657824, 19293843). This variant has not been reported in the literature in individuals with FBN1-related conditions. This variant is not present in population databases (ExAC no frequency). This sequence change creates a premature translational stop signal (p.Cys2541Alafs*141) in the FBN1 gene. It is expected to result in an absent or disrupted protein product.

Literature cited by the submitters: PubMed 17657824; PubMed 19293843.